The following is an entry in ClinVar:

NM_006648.4(WNK2):c.614C>G (p.Ser205Cys)

Gene: WNK2 (WNK lysine deficient protein kinase 2; plus strand). Cytogenetic location: 9q22.31.
Variant type: single nucleotide variant.
Coding change: c.614C>G on transcript NM_006648.4 (MANE Select); coding-DNA position 614, C replaced by G.
Protein change: p.Ser205Cys; replaces serine 205 with cysteine.
Molecular consequence: missense variant.
Genome position (GRCh38, 1-based): chr9:93,185,543, C>G. VCF-style: chr9-93185543-C-G. GRCh37 (hg19) VCF-style: chr9-95947825-C-G.
Other names: c.614C>G, p.Ser205Cys (NM_001282394.3); short protein forms S205C.
Identifiers: ClinVar variation 4842088 (VCV004842088.1).

ClinVar aggregate classification (germline): Uncertain significance (1 of 4 stars; one submission).

Submission:

Ambry Genetics
Classification: Uncertain significance. Last evaluated: 2025-12-21. Review status: criteria provided, single submitter. Criteria: Ambry Variant Classification Scheme 2023. Collection method: clinical testing. Allele origin: germline.
Comment: The p.S205C variant (also known as c.614C>G), located in coding exon 1 of the WNK2 gene, results from a C to G substitution at nucleotide position 614. The serine at codon 205 is replaced by cysteine, an amino acid with dissimilar properties. This amino acid position is conserved. In addition, the in silico prediction for this alteration is inconclusive. Based on the available evidence, the clinical significance of this variant remains unclear.